The following is an entry in ClinVar:

ClinVar aggregate classification (germline): Conflicting classifications of pathogenicity. Review status: criteria provided, conflicting classifications (1 of 4 stars). 7 submissions from 7 submitters: Uncertain significance (1); Likely benign (6). Last evaluated 2026-05-01.

Conditions:
TTN-related disorder. Also called: TTN-related condition; TTN-related disease; TTN-related disorders.
Cardiovascular phenotype. Identifiers: MedGen CN230736.
Dilated cardiomyopathy 1G (CMD1G). Identifiers: Orphanet 154, MedGen C1858763, MONDO:0011400, OMIM 604145.
Autosomal recessive limb-girdle muscular dystrophy type 2J (LGMDR10). Also called: Limb-girdle muscular dystrophy, type 2J; MUSCULAR DYSTROPHY, LIMB-GIRDLE, AUTOSOMAL RECESSIVE 10. Identifiers: Orphanet 140922, MedGen C1837342, MONDO:0012127, OMIM 608807.

Allele frequency attached by ClinVar (database versions not stated): TOPMed 0.00003; gnomAD 0.00005 and 0.00006; gnomAD exomes 0.00005 and 0.00006; ExAC 0.00006.
gnomAD v4.1: 85 of 1,613,194 alleles (0.0053%); highest among the groups gnomAD compares: Non-Finnish European, 0.006%; no homozygotes.

Submissions (7):

CeGaT Center for Human Genetics Tuebingen
Classification: Likely benign. Last evaluated: 2026-05-01. Review status: criteria provided, single submitter. Criteria: CeGaT Center For Human Genetics Tuebingen Variant Classification Criteria Version 2. Collection method: clinical testing. Allele origin: germline. Affected: yes. Observed: 2 variant alleles.
Comment: TTN: BP4

PreventionGenetics, part of Exact Sciences
Classification: Likely benign for TTN-related condition. Last evaluated: 2026-01-22. Review status: criteria provided, single submitter. Criteria: ACMG Guidelines, 2015. Collection method: clinical testing. Allele origin: germline.
Comment: This variant is classified as likely benign based on ACMG/AMP sequence variant interpretation guidelines (Richards et al. 2015 PMID: 25741868, with internal and published modifications).

Labcorp Genetics (formerly Invitae), Labcorp
Classification: Likely benign for Dilated cardiomyopathy 1G; Autosomal recessive limb-girdle muscular dystrophy type 2J. Last evaluated: 2025-12-15. Review status: criteria provided, single submitter. Criteria: Invitae Variant Classification Sherloc (09022015). Collection method: clinical testing. Allele origin: germline.

Mayo Clinic Laboratories, Mayo Clinic
Classification: Likely benign. Last evaluated: 2025-04-01. Review status: criteria provided, single submitter. Criteria: ACMG Guidelines, 2015. Collection method: clinical testing. Allele origin: germline. Observed: 1 variant allele.
Comment: BP4, BP7

Blueprint Genetics
Classification: Likely benign. Last evaluated: 2024-07-31. Review status: criteria provided, single submitter. Criteria: ACMG Guidelines, 2015. Collection method: clinical testing. Allele origin: germline.

Ambry Genetics
Classification: Likely benign for Cardiovascular phenotype. Last evaluated: 2020-11-17. Review status: criteria provided, single submitter. Criteria: Ambry Variant Classification Scheme 2023. Collection method: clinical testing. Allele origin: germline.

Eurofins Ntd Llc (ga)
Classification: Uncertain significance. Last evaluated: 2017-01-04. Review status: criteria provided, single submitter. Criteria: EGL Classification Definitions 2015. Collection method: clinical testing. Allele origin: germline. Observed: 1 variant allele, 1 heterozygote.

NM_001267550.2(TTN):c.64734C>T (p.Ser21578=)

Genes: TTN (titin; minus strand), TTN-AS1 (TTN antisense RNA 1; plus strand). Cytogenetic location: 2q31.2.
Variant type: single nucleotide variant.
Coding change: c.64734C>T on transcript NM_001267550.2 (MANE Select); coding-DNA position 64734, C replaced by T.
Protein change: p.Ser21578=; no amino-acid change (serine 21578 retained).
Molecular consequence: synonymous variant. On other transcripts: non-coding transcript variant (1).
Genome position (GRCh38, 1-based): chr2:178,584,907, G>A on the plus strand (C>T on the coding strand, the complement: TTN is on the minus strand). VCF-style: chr2-178584907-G-A. GRCh37 (hg19) VCF-style: chr2-179449634-G-A.
Other names: p.Ser19937=; c.59811C>T, p.Ser19937= (NM_001256850.1); c.37539C>T, p.Ser12513= (NM_003319.4); c.57030C>T, p.Ser19010= (NM_133378.4); c.37914C>T, p.Ser12638= (NM_133432.3); c.38115C>T, p.Ser12705= (NM_133437.4).
Identifiers: ClinVar variation 499226 (VCV000499226.50), dbSNP rs773855604, ClinGen allele CA1991847.